The following is an entry in ClinVar:

ClinVar aggregate classification (germline): Pathogenic (1 of 4 stars; one submission).

Conditions:
Bartter disease type 4B. Also called: BARTTER SYNDROME, TYPE 4B, NEONATAL, WITH SENSORINEURAL DEAFNESS; Bartter syndrome, type 4b, digenic; BARTTER SYNDROME, TYPE 4B. Identifiers: Orphanet 112, MedGen C4310805, MONDO:0000909, OMIM 613090.
Bartter disease type 3. Also called: Bartter syndrome type 3. Identifiers: Orphanet 112, Orphanet 93605, MedGen C1846343, MONDO:0011822, OMIM 607364.

Submission:

Juno Genomics, Hangzhou Juno Genomics, Inc
Classification: Pathogenic for Bartter disease type 3; Bartter disease type 4B. Review status: criteria provided, single submitter. Criteria: ACMG Guidelines, 2015. Collection method: clinical testing. Allele origin: germline. Affected: yes.
Comment: Absent from controls (or at extremely low frequency if recessive) in Genome Aggregation Database, Exome Sequencing Project, 1000 Genomes Project, or Exome Aggregation Consortium.;Null variant in a gene where loss of function (LOF) is a known mechanism of disease.;For recessive disorders, detected in trans with a pathogenic variant.;Patient's phenotype or family history is highly specific for a disease with a single genetic etiology.

NM_000085.5(CLCNKB):c.835del (p.Leu279fs)

Genes: CLCNKB (chloride voltage-gated channel Kb; plus strand), LOC106501713 (CLCNKB recombination region; plus strand). Cytogenetic location: 1p36.13.
Variant type: Deletion.
Coding change: c.835del on transcript NM_000085.5 (MANE Select); coding-DNA position 835, one base deleted (C; older notation c.835delC).
Protein change: p.Leu279fs; shifts the reading frame from leucine 279.
Molecular consequence: frameshift variant.
Genome position (GRCh38, 1-based): chr1:16,049,671, C deleted; the last of 2 consecutive C bases (chr1:16,049,670-16,049,671); deleting either gives the same sequence. VCF-style (leftmost placement, unchanged base first): chr1-16049669-AC-A. GRCh37 (hg19) VCF-style: chr1-16376164-AC-A.
Other names: c.328del, p.Leu110fs (NM_001165945.2); short protein forms L110fs, L279fs.
Identifiers: ClinVar variation 3381876 (VCV003381876.2).